The following is an entry in ClinVar:

NM_022356.4(P3H1):c.1346-1G>C

Gene: P3H1 (prolyl 3-hydroxylase 1; minus strand). Cytogenetic location: 1p34.2.
Variant type: single nucleotide variant.
Coding change: c.1346-1G>C on transcript NM_022356.4 (MANE Select); the canonical splice acceptor site of the intron before coding-DNA position 1346, G replaced by C.
Molecular consequence: splice acceptor variant.
Genome position (GRCh38, 1-based): chr1:42,752,665, C>G on the plus strand (G>C on the coding strand, the complement: P3H1 is on the minus strand). VCF-style: chr1-42752665-C-G. GRCh37 (hg19) VCF-style: chr1-43218336-C-G.
Other names: c.1346-1G>C (NM_001146289.2, NM_001243246.2, NM_001243246.1).
Identifiers: ClinVar variation 284532 (VCV000284532.22), dbSNP rs886042897, ClinGen allele CA10604830.

ClinVar aggregate classification (germline): Pathogenic. Review status: criteria provided, multiple submitters, no conflicts (2 of 4 stars). 6 submissions from 6 submitters: Pathogenic (6). Last evaluated 2026-04-04.

Conditions:
Osteogenesis imperfecta type 8 (OI8). Identifiers: MedGen C1970458, MONDO:0012581, OMIM 610915.

Allele frequency attached by ClinVar (database versions not stated): gnomAD exomes below 0.00001.
gnomAD v4.1: 1 of 1,614,206 alleles (0.000062%); highest among the groups gnomAD compares: South Asian, 0.0011%; no homozygotes.

Submissions (6):

Kasturba Medical College, Manipal, Kasturba Medical College, Manipal, Manipal Academy of Higher Education, Manipal, India
Classification: Pathogenic for Osteogenesis imperfecta type 8. Last evaluated: 2026-04-04. Review status: criteria provided, single submitter. Criteria: ACMG Guidelines, 2015. Collection method: clinical testing. Allele origin: paternal. Inheritance: Autosomal recessive inheritance. Affected: yes. Observed: 1 variant allele, 1 compound heterozygote.
Comment: This variant is absent in homozygous state and present in one individual in heterozygous state in gnomAD population database (v.4.1.0). This variant is absent in homozygous and/or heterozygous state in our in-house database of 4037 exomes. This canonical splice-site variant is predicted to cause aberrant splicing which can either lead to nonsense mediated mRNA decay or formation of a truncated protein product. Thus, the above-mentioned variant in homozygous state is interpreted to be the cause for the findings observed in the proband.

Labcorp Genetics (formerly Invitae), Labcorp
Classification: Pathogenic for Osteogenesis imperfecta type 8. Last evaluated: 2023-06-17. Review status: criteria provided, single submitter. Criteria: Invitae Variant Classification Sherloc (09022015). Collection method: clinical testing. Allele origin: germline.
Comment: For these reasons, this variant has been classified as Pathogenic. Algorithms developed to predict the effect of sequence changes on RNA splicing suggest that this variant may disrupt the consensus splice site. ClinVar contains an entry for this variant (Variation ID: 284532). Disruption of this splice site has been observed in individual(s) with osteogenesis imperfecta (PMID: 29499418). In at least one individual the data is consistent with being in trans (on the opposite chromosome) from a pathogenic variant. This variant is not present in population databases (gnomAD no frequency). This sequence change affects an acceptor splice site in intron 8 of the P3H1 gene. It is expected to disrupt RNA splicing. Variants that disrupt the donor or acceptor splice site typically lead to a loss of protein function (PMID: 16199547), and loss-of-function variants in P3H1 are known to be pathogenic (PMID: 17277775, 18566967, 19088120, 22281939).

Genome-Nilou Lab
Classification: Pathogenic for Osteogenesis imperfecta type 8. Last evaluated: 2023-04-11. Review status: criteria provided, single submitter. Criteria: ACMG Guidelines, 2015. Collection method: clinical testing. Allele origin: germline. Affected: no.

Revvity Omics, Revvity
Classification: Pathogenic for Osteogenesis imperfecta type 8. Last evaluated: 2023-02-17. Review status: criteria provided, single submitter. Criteria: ACMG Guidelines, 2015. Collection method: clinical testing. Allele origin: germline.

Eurofins Ntd Llc (ga)
Classification: Pathogenic. Last evaluated: 2015-11-13. Review status: criteria provided, single submitter. Criteria: EGL Classification Definitions 2015. Collection method: clinical testing. Allele origin: germline. Observed: 1 variant allele, 1 homozygote.

Neuberg Centre For Genomic Medicine, NCGM
Classification: Pathogenic for Osteogenesis imperfecta type 8. Review status: criteria provided, single submitter. Criteria: ACMG Guidelines, 2015. Collection method: clinical testing. Allele origin: germline. Inheritance: Autosomal recessive inheritance. Affected: yes.
Comment: The splice acceptor variant c.1346-1G>C in P3H1 (NM_022356.4) has been reported previously in individuals affected with Osteogenesis imperfecta (Mrosk et al, 2018). The c.1346-1G>C variant is novel (not in any individuals) in gnomAD Exomes and is novel (not in any individuals) in 1000 Genomes. The splice acceptor variant c.1346-1G>C in P3H1 is submitted to Clinvar as Pathogenic. This variant mutates a splice-acceptor sequence, potentially resulting in exon skipping and the production of abnormal proteins. Loss of function mutations are known to be disease causing in this gene. The nucleotide change in P3H1 is predicted as conserved by GERP++ and PhyloP across 100 vertebrates. For these reasons, this variant has been classified as Pathogenic.

Literature cited by the submitters: PubMed 29499418 (cited by Kasturba Medical College, Manipal, Kasturba Medical College, Manipal, Manipal Academy of Higher Education, Manipal, India and Labcorp Genetics (formerly Invitae), Labcorp); PubMed 16199547 (cited by Labcorp Genetics (formerly Invitae), Labcorp); PubMed 17277775 (cited by Labcorp Genetics (formerly Invitae), Labcorp); PubMed 18566967 (cited by Labcorp Genetics (formerly Invitae), Labcorp); PubMed 19088120 (cited by Labcorp Genetics (formerly Invitae), Labcorp); PubMed 22281939 (cited by Labcorp Genetics (formerly Invitae), Labcorp).